The following is an entry in ClinVar:

NM_004360.5(CDH1):c.1231G>T (p.Ala411Ser)

Gene: CDH1 (cadherin 1; plus strand). Cytogenetic location: 16q22.1.
Variant type: single nucleotide variant.
Coding change: c.1231G>T on transcript NM_004360.5 (MANE Select); coding-DNA position 1231, G replaced by T.
Protein change: p.Ala411Ser; replaces alanine 411 with serine.
Molecular consequence: missense variant. On other transcripts: 5 prime UTR variant (2), intron variant (1).
Genome position (GRCh38, 1-based): chr16:68,813,406, G>T. VCF-style: chr16-68813406-G-T. GRCh37 (hg19) VCF-style: chr16-68847309-G-T.
Other names: c.-385G>T (NM_001317185.2); c.-589G>T (NM_001317186.2); c.1137+1143G>T (NM_001317184.2); short protein forms A411S.
Identifiers: ClinVar variation 1755761 (VCV001755761.2), dbSNP rs2152133489, ClinGen allele CA396461452.
Genomic context (GRCh38, chr16:68,813,406, plus strand): 5'-GTCGTAATCACCACACTGAAAGTGACTGATGCTGATGCCCCCAATACCCCAGCGTGGGAG[G>T]CTGTATACACCATATTGAATGATGATGGTGGACAATTTGTCGTCACCACAAATCCAGTGA-3'
Protein context (NP_004351.1, residues 401-421): ADAPNTPAWE[Ala411Ser]VYTILNDDGG

ClinVar aggregate classification (germline): Uncertain significance (1 of 4 stars; one submission).

Conditions:
Hereditary cancer-predisposing syndrome. Also called: Neoplastic Syndromes, Hereditary; Tumor predisposition; Hereditary Cancer Syndrome; Hereditary neoplastic syndrome. Identifiers: Orphanet 140162, MedGen C0027672, MeSH D009386, MONDO:0015356.

Submission:

Ambry Genetics
Classification: Uncertain significance for Hereditary cancer-predisposing syndrome. Last evaluated: 2021-01-07. Review status: criteria provided, single submitter. Criteria: Ambry Variant Classification Scheme 2023. Collection method: clinical testing. Allele origin: germline.
Comment: The p.A411S variant (also known as c.1231G>T), located in coding exon 9 of the CDH1 gene, results from a G to T substitution at nucleotide position 1231. The alanine at codon 411 is replaced by serine, an amino acid with similar properties. This amino acid position is well conserved in available vertebrate species. In addition, the in silico prediction for this alteration is inconclusive. Since supporting evidence is limited at this time, the clinical significance of this alteration remains unclear.